The following is an entry in ClinVar:

NM_007294.4(BRCA1):c.2244del (p.Asp749fs)

Gene: BRCA1 (BRCA1 DNA repair associated; minus strand). Cytogenetic location: 17q21.31.
Variant type: Deletion.
Coding change: c.2244del on transcript NM_007294.4 (MANE Select); coding-DNA position 2244, one base deleted (A; older notation c.2244delA).
Protein change: p.Asp749fs; shifts the reading frame from aspartic acid 749.
Molecular consequence: frameshift variant. On other transcripts: intron variant (137).
Genome position (GRCh38, 1-based): chr17:43,093,287, T deleted on the plus strand (A on the coding strand, the reverse complement: BRCA1 is on the minus strand); the first of 3 consecutive T bases (chr17:43,093,287-43,093,289); deleting any one gives the same sequence. VCF-style (leftmost placement, unchanged base first): chr17-43093286-CT-C. GRCh37 (hg19) VCF-style: chr17-41245303-CT-C.
Other names: c.2244delA (NM_007294.3); c.664+1457del (NM_001408437.1, NM_001408429.1, NM_001408442.1 and 12 more transcripts); c.787+1457del (NM_001407979.1, NM_001407977.1, NM_001407982.1 and 17 more transcripts); c.646+1457del (NM_001408410.1, NM_001408458.1, NM_001408469.1 and 11 more transcripts); c.709+1457del (NM_001408415.1, NM_001408412.1, NM_001408409.1 and 2 more transcripts); c.577+1457del (NM_001408483.1, NM_001408481.1, NM_001408480.1 and 9 more transcripts); c.2031del, p.Asp678fs (NM_001407571.1, NM_001407853.1, NM_001407894.1 and 9 more transcripts); c.2244del, p.Asp749fs (NM_001407581.1, NM_001407582.1, NM_001407583.1 and 30 more transcripts); and 42 more; short protein forms D702fs, D749fs, D581fs, D621fs, D638fs, D682fs, D746fs, D748fs.
Identifiers: ClinVar variation 1788321 (VCV001788321.3), dbSNP rs2053796291, ClinGen allele CA2580094062.

ClinVar aggregate classification (germline): Pathogenic. Review status: criteria provided, multiple submitters, no conflicts (2 of 4 stars). 2 submissions from 2 submitters: Pathogenic (2). Last evaluated 2024-06-18.

Conditions:
Hereditary cancer-predisposing syndrome. Also called: Neoplastic Syndromes, Hereditary; Tumor predisposition; Hereditary Cancer Syndrome; Hereditary neoplastic syndrome. Identifiers: Orphanet 140162, MedGen C0027672, MeSH D009386, MONDO:0015356.

Submissions (2):

Color Diagnostics, LLC DBA Color Health
Classification: Pathogenic for Hereditary cancer-predisposing syndrome. Last evaluated: 2024-06-18. Review status: criteria provided, single submitter. Criteria: ACMG Guidelines, 2015. Collection method: clinical testing. Allele origin: germline.
Comment: This variant deletes 1 nucleotide in exon 10 of the BRCA1 gene, creating a frameshift and premature translation stop signal. This variant is expected to result in an absent or non-functional protein product. To our knowledge, this variant has not been reported in individuals affected with BRCA1-related disorders in the literature. This variant has not been identified in the general population by the Genome Aggregation Database (gnomAD). Loss of BRCA1 function is a known mechanism of disease. Based on the available evidence, this variant is classified as Pathogenic.

Ambry Genetics
Classification: Pathogenic for Hereditary cancer-predisposing syndrome. Last evaluated: 2019-07-05. Review status: criteria provided, single submitter. Criteria: Ambry Variant Classification Scheme 2023. Collection method: clinical testing. Allele origin: germline.
Comment: The c.2244delA variant, located in coding exon 9 of the BRCA1 gene, results from a deletion of one nucleotide at nucleotide position 2244, causing a translational frameshift with a predicted alternate stop codon. This alteration is expected to result in loss of function by premature protein truncation or nonsense-mediated mRNA decay. As such, this alteration is interpreted as a disease-causing mutation.